The following is an entry in ClinVar:

NM_000188.3(HK1):c.226+4919T>G

Gene: HK1 (hexokinase 1; plus strand). Cytogenetic location: 10q22.1.
Variant type: single nucleotide variant.
Coding change: c.226+4919T>G on transcript NM_000188.3 (MANE Select); 4919 bases into the intron after coding-DNA position 226, T replaced by G.
Molecular consequence: intron variant.
Genome position (GRCh38, 1-based): chr10:69,348,908, T>G. VCF-style: chr10-69348908-T-G. GRCh37 (hg19) VCF-style: chr10-71108664-T-G.
Other names: c.190+4919T>G (NM_033500.2); c.331+4919T>G (NM_001322365.2); c.238+4919T>G (NM_033498.3, NM_033497.3, NM_001322364.2 and 1 more transcripts); c.223+4919T>G (NM_033496.3); c.142+4919T>G (NM_001322366.1, NM_001441143.1); c.-511+4919T>G (NM_001441152.1); c.-787+4919T>G (NM_001441153.1); c.226+4919T>G (NM_001441141.1, NM_001441148.1, NM_001441146.1 and 5 more transcripts); and 4 more.
Identifiers: ClinVar variation 4823068 (VCV004823068.4).
Genomic context (GRCh38, chr10:69,348,908, plus strand): 5'-GGCAGGCATTTCCCGCAGGCAGAGTTTTTGCTTGCCCTGTATTCCAGCACAGGCTGGTAC[T>G]CGAGACACATCTGTCCTGTGTTTGTTTTCCATTATTTGCTGGTAATAATGGCTGTCATTA-3'

ClinVar aggregate classification (germline): Likely pathogenic (1 of 4 stars; one submission).

Submission:

CeGaT Center for Human Genetics Tuebingen
Classification: Likely pathogenic. Last evaluated: 2026-02-01. Review status: criteria provided, single submitter. Criteria: CeGaT Center For Human Genetics Tuebingen Variant Classification Criteria Version 2. Collection method: clinical testing. Allele origin: germline. Affected: yes. Observed: 1 variant allele.
Comment: HK1: PM1, PM2, PS2:Moderate, PS4:Supporting